The following is an entry in ClinVar:

ClinVar aggregate classification (germline): Uncertain significance (1 of 4 stars; one submission).

Conditions:
Inborn genetic diseases. Identifiers: MedGen C0950123, MeSH D030342.

gnomAD v4.1: 5 of 1,613,978 alleles (0.00031%); highest among the groups gnomAD compares: Non-Finnish European, 0.00042%; no homozygotes.

Submission:

Ambry Genetics
Classification: Uncertain significance for Inborn genetic diseases. Last evaluated: 2026-01-11. Review status: criteria provided, single submitter. Criteria: Ambry Variant Classification Scheme 2023. Collection method: clinical testing. Allele origin: germline.
Comment: The p.E475G variant (also known as c.1424A>G), located in coding exon 10 of the FANCG gene, results from an A to G substitution at nucleotide position 1424. The glutamic acid at codon 475 is replaced by glycine, an amino acid with similar properties. This amino acid position is conserved. In addition, this alteration is predicted to be tolerated by in silico analysis. Based on the available evidence, the clinical significance of this variant remains unclear.

NM_004629.2(FANCG):c.1424A>G (p.Glu475Gly)

Gene: FANCG (FA complementation group G; minus strand). Cytogenetic location: 9p13.3.
Variant type: single nucleotide variant.
Coding change: c.1424A>G on transcript NM_004629.2 (MANE Select); coding-DNA position 1424, A replaced by G.
Protein change: p.Glu475Gly; replaces glutamic acid 475 with glycine.
Molecular consequence: missense variant.
Genome position (GRCh38, 1-based): chr9:35,075,474, T>C on the plus strand (A>G on the coding strand, the complement: FANCG is on the minus strand). VCF-style: chr9-35075474-T-C. GRCh37 (hg19) VCF-style: chr9-35075471-T-C.
Other names: short protein forms E475G.
Identifiers: ClinVar variation 4841412 (VCV004841412.1).